The following is an entry in ClinVar:

NM_016580.4(PCDH12):c.3476A>G (p.Lys1159Arg)

Gene: PCDH12 (protocadherin 12; minus strand). Cytogenetic location: 5q31.3.
Variant type: single nucleotide variant.
Coding change: c.3476A>G on transcript NM_016580.4 (MANE Select); coding-DNA position 3476, A replaced by G.
Protein change: p.Lys1159Arg; replaces lysine 1159 with arginine.
Molecular consequence: missense variant.
Genome position (GRCh38, 1-based): chr5:141,945,460, T>C on the plus strand (A>G on the coding strand, the complement: PCDH12 is on the minus strand). VCF-style: chr5-141945460-T-C. GRCh37 (hg19) VCF-style: chr5-141325025-T-C.
Other names: short protein forms K1159R.
Identifiers: ClinVar variation 4697166 (VCV004697166.1).

ClinVar aggregate classification (germline): Uncertain significance (1 of 4 stars; one submission).

gnomAD v4.1: 29 of 1,613,206 alleles (0.0018%); highest among the groups gnomAD compares: Non-Finnish European, 0.0022%; no homozygotes.

Submission:

Labcorp Genetics (formerly Invitae), Labcorp
Classification: Uncertain significance. Last evaluated: 2025-11-02. Review status: criteria provided, single submitter. Criteria: Invitae Variant Classification Sherloc (09022015). Collection method: clinical testing. Allele origin: germline.
Comment: This sequence change replaces lysine, which is basic and polar, with arginine, which is basic and polar, at codon 1159 of the PCDH12 protein (p.Lys1159Arg). This variant is present in population databases (no rsID available, gnomAD 0.005%). This variant has not been reported in the literature in individuals affected with PCDH12-related conditions. Invitae Evidence Modeling of protein sequence and biophysical properties (such as structural, functional, and spatial information, amino acid conservation, physicochemical variation, residue mobility, and thermodynamic stability) indicates that this missense variant is not expected to disrupt PCDH12 protein function with a negative predictive value of 95%. In summary, the available evidence is currently insufficient to determine the role of this variant in disease. Therefore, it has been classified as a Variant of Uncertain Significance.